The following is an entry in ClinVar:

ClinVar aggregate classification (germline): Uncertain significance (1 of 4 stars; one submission).

Submission:

Institute for Human Genetics, University Hospital Essen
Classification: Uncertain significance. Last evaluated: 2025-11-27. Review status: criteria provided, single submitter. Criteria: Submitter's publication. Collection method: clinical testing. Allele origin: inherited. Inheritance: Autosomal unknown. Affected: yes. Observed: 1 variant allele, 1 compound heterozygote.
Comment: PM2_supp (criteria rationale detailed in Leitão et al. Nature Genetics 2026)

NR_199791.1(RNU2-2):n.46T>G

Genes: RNU2-2 (RNA, U2 small nuclear 2; minus strand), WDR74 (WD repeat domain 74; minus strand). Cytogenetic location: 11q12.3.
Variant type: single nucleotide variant.
Molecular consequence: non-coding transcript variant (on NR_199791.1). On other transcripts: 5 prime UTR variant (1).
Genome position: GRCh38 VCF-style: chr11-62841764-A-C. GRCh37 (hg19) VCF-style: chr11-62609236-A-C.
Other names: c.-493T>G (NM_001369451.1).
Identifiers: ClinVar variation 4540481 (VCV004540481.1).